The following is an entry in ClinVar:

NM_006623.4(PHGDH):c.574C>T (p.Pro192Ser)

Gene: PHGDH (phosphoglycerate dehydrogenase; plus strand). Cytogenetic location: 1p12.
Variant type: single nucleotide variant.
Coding change: c.574C>T on transcript NM_006623.4 (MANE Select); coding-DNA position 574, C replaced by T.
Protein change: p.Pro192Ser; replaces proline 192 with serine.
Molecular consequence: missense variant.
Genome position (GRCh38, 1-based): chr1:119,734,697, C>T. VCF-style: chr1-119734697-C-T. GRCh37 (hg19) VCF-style: chr1-120277320-C-T.
Other names: short protein forms P192S.
Identifiers: ClinVar variation 2165188 (VCV002165188.2), dbSNP rs766341979, ClinGen allele CA1037148.

ClinVar aggregate classification (germline): Uncertain significance (1 of 4 stars; one submission).

Conditions:
PHGDH deficiency. Identifiers: Orphanet 79351, MedGen C1866174, MONDO:0011152, OMIM 601815.

Allele frequency attached by ClinVar (database versions not stated): ExAC 0.00002; TOPMed 0.00003; gnomAD 0.00004.
gnomAD v4.1: 19 of 1,613,932 alleles (0.0012%); highest among the groups gnomAD compares: East Asian, 0.038%; no homozygotes.

Submission:

Labcorp Genetics (formerly Invitae), Labcorp
Classification: Uncertain significance for PHGDH deficiency. Last evaluated: 2024-10-17. Review status: criteria provided, single submitter. Criteria: Invitae Variant Classification Sherloc (09022015). Collection method: clinical testing. Allele origin: germline.
Comment: This sequence change replaces proline, which is neutral and non-polar, with serine, which is neutral and polar, at codon 192 of the PHGDH protein (p.Pro192Ser). This variant is present in population databases (rs766341979, gnomAD 0.05%). This variant has not been reported in the literature in individuals affected with PHGDH-related conditions. ClinVar contains an entry for this variant (Variation ID: 2165188). An algorithm developed to predict the effect of missense changes on protein structure and function outputs the following: PolyPhen-2: "Benign". The serine amino acid residue is found in multiple mammalian species, which suggests that this missense change does not adversely affect protein function. In summary, the available evidence is currently insufficient to determine the role of this variant in disease. Therefore, it has been classified as a Variant of Uncertain Significance.